The following is an entry in ClinVar:

ClinVar aggregate classification (germline): Uncertain significance. Review status: criteria provided, multiple submitters, no conflicts (2 of 4 stars). 3 submissions from 3 submitters: Uncertain significance (3). Last evaluated 2025-10-29.

Conditions:
Tuberous sclerosis 2 (TSC2). Identifiers: Orphanet 805, MedGen C1860707, MONDO:0013199, OMIM 613254.
Hereditary cancer-predisposing syndrome. Also called: Tumor predisposition; Hereditary Cancer Syndrome; Hereditary neoplastic syndrome; Neoplastic Syndromes, Hereditary. Identifiers: Orphanet 140162, MedGen C0027672, MeSH D009386, MONDO:0015356.

Submissions (3):

Labcorp Genetics (formerly Invitae), Labcorp
Classification: Uncertain significance for Tuberous sclerosis 2. Last evaluated: 2025-10-29. Review status: criteria provided, single submitter. Criteria: Invitae Variant Classification Sherloc (09022015). Collection method: clinical testing. Allele origin: germline.
Comment: This variant, c.3867_3869del, results in the deletion of 1 amino acid(s) of the TSC2 protein (p.Arg1289del), but otherwise preserves the integrity of the reading frame. This variant is not present in population databases (gnomAD no frequency). This variant has not been reported in the literature in individuals affected with TSC2-related conditions. ClinVar contains an entry for this variant (Variation ID: 572870). Experimental studies and prediction algorithms are not available or were not evaluated, and the functional significance of this variant is currently unknown. In summary, the available evidence is currently insufficient to determine the role of this variant in disease. Therefore, it has been classified as a Variant of Uncertain Significance.

CeGaT Center for Human Genetics Tuebingen
Classification: Uncertain significance. Last evaluated: 2022-12-01. Review status: criteria provided, single submitter. Criteria: CeGaT Center For Human Genetics Tuebingen Variant Classification Criteria Version 2. Collection method: clinical testing. Allele origin: germline. Affected: yes. Observed: 1 variant allele.
Comment: TSC2: PM2, PM4:Supporting

Ambry Genetics
Classification: Uncertain significance for Hereditary cancer-predisposing syndrome. Last evaluated: 2021-06-17. Review status: criteria provided, single submitter. Criteria: Ambry Variant Classification Scheme 2023. Collection method: clinical testing. Allele origin: germline.
Comment: The c.3867_3869delGAG variant (also known as p.R1289del) is located in coding exon 31 of the TSC2 gene. This variant results from an in-frame GAG deletion at nucleotide positions 3867 to 3869. This results in the in-frame deletion of an arginine at codon 1289. This amino acid region is highly conserved in available vertebrate species. In addition, this alteration is predicted to be neutral by in silico analysis (Choi Y et al. PLoS ONE. 2012; 7(10):e46688). Since supporting evidence is limited at this time, the clinical significance of this alteration remains unclear.

NM_000548.5(TSC2):c.3867_3869del (p.Arg1289del)

Gene: TSC2 (TSC complex subunit 2; plus strand). Cytogenetic location: 16p13.3.
Variant type: Deletion.
Coding change: c.3867_3869del on transcript NM_000548.5 (MANE Select); coding-DNA positions 3867 to 3869, 3 bases deleted (GAG; older notation c.3867_3869delGAG).
Protein change: p.Arg1289del; deletes arginine 1289.
Molecular consequence: inframe deletion. On other transcripts: intron variant (6).
Genome position (GRCh38, 1-based): chr16:2,082,488-2,082,490, GAG deleted; deleting any 3 consecutive bases within chr16:2,082,486-2,082,490 gives the same sequence; the c. name uses the placement nearest the transcript's 3' end. VCF-style (leftmost placement, unchanged base first): chr16-2082485-CAGG-C. GRCh37 (hg19) VCF-style: chr16-2132486-CAGG-C.
Other names: c.3135_3137del, p.Arg1045del (NM_001318831.2); c.3735_3737del, p.Arg1245del (NM_001370404.1); c.3738_3740del, p.Arg1246del (NM_001370405.1, NM_021055.3); c.3814+690_3814+692del (NM_001114382.3); c.3685+690_3685+692del (NM_001363528.2); c.3682+690_3682+692del (NM_001077183.3); c.3574+690_3574+692del (NM_001318827.2); c.3538+690_3538+692del (NM_001318829.2); and 1 more; short protein forms R1289del, R1246del, R1045del, R1245del.
Identifiers: ClinVar variation 572870 (VCV000572870.35), dbSNP rs1567514084, ClinGen allele CA891843881.
Genomic context (GRCh38, chr16:2,082,485, plus strand): 5'-TTCCCTTGCAGTGGCCTCTTTCTCCTCCCTGTACCAGTCCAGCTGCCAAGGACAGCTGCA[CAGG>C]AGCGTTTCCTGGGCAGGTATCGCCTCTCAGAGGGAAGCGGTTGGCTGCAGAGCGCCACTC-3'